The following is an entry in ClinVar:

NM_002755.4(MAP2K1):c.551A>T (p.His184Leu)

Gene: MAP2K1 (mitogen-activated protein kinase kinase 1; plus strand). Cytogenetic location: 15q22.31.
Variant type: single nucleotide variant.
Coding change: c.551A>T on transcript NM_002755.4 (MANE Select); coding-DNA position 551, A replaced by T.
Protein change: p.His184Leu; replaces histidine 184 with leucine.
Molecular consequence: missense variant.
Genome position (GRCh38, 1-based): chr15:66,444,690, A>T. VCF-style: chr15-66444690-A-T. GRCh37 (hg19) VCF-style: chr15-66737028-A-T.
Other names: c.407A>T, p.His136Leu (NM_001411065.1); short protein forms H136L, H184L.
Identifiers: ClinVar variation 2113714 (VCV002113714.4), dbSNP rs2545061994, ClinGen allele CA392932243.
Genomic context (GRCh38, chr15:66,444,690, plus strand): 5'-TTTCTTTTACATTCCCTTTCCTCTAGGTAATAAAAGGCCTGACATATCTGAGGGAGAAGC[A>T]CAAGATCATGCACAGAGGTAAGAAGTTATTTGCTAGTTATTTTGCTTTGAATTTTAGATA-3'
Protein context (NP_002746.1, residues 174-194): IKGLTYLREK[His184Leu]KIMHRDVKPS

ClinVar aggregate classification (germline): Uncertain significance (1 of 4 stars; one submission).

Conditions:
RASopathy. Also called: rasopathies; Noonan spectrum disorder. Identifiers: Orphanet 536391, MedGen C5555857, MONDO:0021060.

Submission:

Labcorp Genetics (formerly Invitae), Labcorp
Classification: Uncertain significance for RASopathy. Last evaluated: 2024-01-08. Review status: criteria provided, single submitter. Criteria: Invitae Variant Classification Sherloc (09022015). Collection method: clinical testing. Allele origin: germline.
Comment: This sequence change replaces histidine, which is basic and polar, with leucine, which is neutral and non-polar, at codon 184 of the MAP2K1 protein (p.His184Leu). This variant is not present in population databases (gnomAD no frequency). This variant has not been reported in the literature in individuals affected with MAP2K1-related conditions. ClinVar contains an entry for this variant (Variation ID: 2113714). Advanced modeling of protein sequence and biophysical properties (such as structural, functional, and spatial information, amino acid conservation, physicochemical variation, residue mobility, and thermodynamic stability) performed at Invitae indicates that this missense variant is not expected to disrupt MAP2K1 protein function with a negative predictive value of 80%. In summary, the available evidence is currently insufficient to determine the role of this variant in disease. Therefore, it has been classified as a Variant of Uncertain Significance.